The following is an entry in ClinVar:

NM_003072.5(SMARCA4):c.678C>T (p.Ser226=)

Gene: SMARCA4 (SWI/SNF related BAF chromatin remodeling complex subunit ATPase 4; plus strand). Cytogenetic location: 19p13.2.
Variant type: single nucleotide variant.
Coding change: c.678C>T on transcript NM_003072.5 (MANE Select); coding-DNA position 678, C replaced by T.
Protein change: p.Ser226=; no amino-acid change (serine 226 retained).
Molecular consequence: synonymous variant. On other transcripts: non-coding transcript variant (1).
Genome position (GRCh38, 1-based): chr19:10,986,511, C>T. VCF-style: chr19-10986511-C-T. GRCh37 (hg19) VCF-style: chr19-11097187-C-T.
Other names: c.678C>T, p.Ser226= (NM_001128844.3, NM_001128845.2, NM_001128846.2 and 5 more transcripts).
Identifiers: ClinVar variation 238510 (VCV000238510.20), dbSNP rs878854237, ClinGen allele CA10583716.

ClinVar aggregate classification (germline): Benign/Likely benign. Review status: criteria provided, multiple submitters, no conflicts (2 of 4 stars). 6 submissions from 6 submitters: Benign (2); Likely benign (4). Last evaluated 2026-07-09.

Conditions:
Hereditary cancer-predisposing syndrome. Also called: Hereditary Cancer Syndrome; Tumor predisposition; Hereditary neoplastic syndrome; Neoplastic Syndromes, Hereditary. Identifiers: Orphanet 140162, MedGen C0027672, MeSH D009386, MONDO:0015356.
Rhabdoid tumor predisposition syndrome 2 (RTPS2). Identifiers: Orphanet 231108, Orphanet 69077, MedGen C2750074, MONDO:0013224, OMIM 613325.

Allele frequency attached by ClinVar (database versions not stated): gnomAD exomes 0.00004 and 0.00006; TOPMed 0.00005; gnomAD 0.00005.
gnomAD v4.1: 65 of 1,545,268 alleles (0.0042%); highest among the groups gnomAD compares: African/African-American, 0.018%; no homozygotes.

Submissions (6):

Myriad Genetics, Inc.
Classification: Benign for Rhabdoid tumor predisposition syndrome 2. Last evaluated: 2026-07-09. Review status: criteria provided, single submitter. Criteria: Myriad Autosomal Dominant, Autosomal Recessive and X-Linked Classification Criteria (2023). Collection method: clinical testing. Allele origin: unknown.
Comment: This variant is considered benign. This variant is a silent/synonymous amino acid change and it is not expected to impact splicing.

Labcorp Genetics (formerly Invitae), Labcorp
Classification: Likely benign for Rhabdoid tumor predisposition syndrome 2. Last evaluated: 2026-01-26. Review status: criteria provided, single submitter. Criteria: Invitae Variant Classification Sherloc (09022015). Collection method: clinical testing. Allele origin: germline.

Laboratory of Genetics, Children's Clinical University Hospital Latvia
Classification: Likely benign. Last evaluated: 2025-02-16. Review status: criteria provided, single submitter. Criteria: ACMG Guidelines, 2015. Collection method: clinical testing. Allele origin: germline. Affected: yes.

Blueprint Genetics
Classification: Likely benign. Last evaluated: 2024-10-22. Review status: criteria provided, single submitter. Criteria: ACMG Guidelines, 2015. Collection method: clinical testing. Allele origin: germline.

Quest Diagnostics Nichols Institute San Juan Capistrano
Classification: Benign. Last evaluated: 2022-09-21. Review status: criteria provided, single submitter. Criteria: Quest Diagnostics criteria. Collection method: clinical testing. Allele origin: unknown.

Ambry Genetics
Classification: Likely benign for Hereditary cancer-predisposing syndrome. Last evaluated: 2015-07-16. Review status: criteria provided, single submitter. Criteria: Ambry Variant Classification Scheme 2023. Collection method: clinical testing. Allele origin: germline.